The following is an entry in ClinVar:

NM_017934.7(PHIP):c.857dup (p.Ser287fs)

Gene: PHIP (PHIP subunit of CUL4-Ring ligase complex; minus strand). Cytogenetic location: 6q14.1.
Variant type: Duplication.
Coding change: c.857dup on transcript NM_017934.7 (MANE Select); coding-DNA position 857, one base duplicated (T; older notation c.857dupT).
Protein change: p.Ser287fs; shifts the reading frame from serine 287.
Molecular consequence: frameshift variant.
Genome position (GRCh38, 1-based): chr6:79,025,585, A duplicated on the plus strand (T on the coding strand, the reverse complement: PHIP is on the minus strand). VCF-style (leftmost placement, unchanged base first): chr6-79025584-T-TA. GRCh37 (hg19) VCF-style: chr6-79735301-T-TA.
Other names: short protein forms S287fs.
Identifiers: ClinVar variation 3239498 (VCV003239498.19), dbSNP rs2482185944.

ClinVar aggregate classification (germline): Pathogenic (1 of 4 stars; one submission).

Submission:

CeGaT Center for Human Genetics Tuebingen
Classification: Pathogenic. Last evaluated: 2024-09-01. Review status: criteria provided, single submitter. Criteria: CeGaT Center For Human Genetics Tuebingen Variant Classification Criteria Version 2. Collection method: clinical testing. Allele origin: germline. Affected: yes. Observed: 3 variant alleles.
Comment: PHIP: PVS1, PM2